The following is an entry in ClinVar:

NM_198994.3(TGM6):c.146A>T (p.Asp49Val)

Gene: TGM6 (transglutaminase 6; plus strand). Cytogenetic location: 20p13.
Variant type: single nucleotide variant.
Coding change: c.146A>T on transcript NM_198994.3 (MANE Select); coding-DNA position 146, A replaced by T.
Protein change: p.Asp49Val; replaces aspartic acid 49 with valine.
Molecular consequence: missense variant.
Genome position (GRCh38, 1-based): chr20:2,394,590, A>T. VCF-style: chr20-2394590-A-T. GRCh37 (hg19) VCF-style: chr20-2375236-A-T.
Other names: p.Asp49Val; c.146A>T, p.Asp49Val (NM_001254734.2); short protein forms D49V.
Identifiers: ClinVar variation 781541 (VCV000781541.23), dbSNP rs12106280, ClinGen allele CA9731556.

ClinVar aggregate classification (germline): Conflicting classifications of pathogenicity. Review status: criteria provided, conflicting classifications (1 of 4 stars). 8 submissions from 8 submitters: Uncertain significance (1); Benign (2); Likely benign (4). 1 of the submissions does not count toward it. Last evaluated 2025-12-30.

Conditions:
TGM6-related disorder. Also called: TGM6-related condition.
Inborn genetic diseases. Identifiers: MedGen C0950123, MeSH D030342.

Allele frequency attached by ClinVar (database versions not stated): gnomAD exomes 0.00027 and 0.00064; ExAC 0.00079; 1000 Genomes Project 0.00200; 1000 Genomes Project 30x 0.00203; gnomAD 0.00219 and 0.00238; ESP Exome Variant Server 0.00277; TOPMed 0.00288.
gnomAD v4.1: 754 of 1,612,048 alleles (0.047%); highest among the groups gnomAD compares: African/African-American, 0.82%; 1 homozygote.

Submissions (8):

Labcorp Genetics (formerly Invitae), Labcorp
Classification: Likely benign. Last evaluated: 2025-12-30. Review status: criteria provided, single submitter. Criteria: Invitae Variant Classification Sherloc (09022015). Collection method: clinical testing. Allele origin: germline.

CeGaT Center for Human Genetics Tuebingen
Classification: Likely benign. Last evaluated: 2025-06-01. Review status: criteria provided, single submitter. Criteria: CeGaT Center For Human Genetics Tuebingen Variant Classification Criteria Version 2. Collection method: clinical testing. Allele origin: germline. Affected: yes. Observed: 1 variant allele.
Comment: TGM6: BP4, BS1

Mayo Clinic Laboratories, Mayo Clinic
Classification: Benign. Last evaluated: 2025-02-25. Review status: criteria provided, single submitter. Criteria: ACMG Guidelines, 2015. Collection method: clinical testing. Allele origin: germline. Observed: 2 variant alleles.
Comment: BS1, BS2

Blueprint Genetics
Classification: Likely benign. Last evaluated: 2024-11-26. Review status: criteria provided, single submitter. Criteria: ACMG Guidelines, 2015. Collection method: clinical testing. Allele origin: germline.

Athena Diagnostics
Classification: Benign. Last evaluated: 2024-08-21. Review status: criteria provided, single submitter. Criteria: Athena Diagnostics Criteria. Collection method: clinical testing. Allele origin: unknown.

Ambry Genetics
Classification: Uncertain significance for Inborn genetic diseases. Last evaluated: 2021-07-20. Review status: criteria provided, single submitter. Criteria: Ambry Variant Classification Scheme 2023. Collection method: clinical testing. Allele origin: germline.

Breakthrough Genomics
Classification: Likely benign. Review status: criteria provided, single submitter. Criteria: ACMG Guidelines, 2015. Collection method: not provided. Allele origin: germline. Inheritance: Autosomal dominant inheritance. Affected: yes.

PreventionGenetics, part of Exact Sciences
Classification: Benign for TGM6-related condition. Last evaluated: 2024-05-23. Review status: no assertion criteria provided. Collection method: clinical testing. Allele origin: germline. Not counted in ClinVar's aggregate classification.
Comment: This variant is classified as benign based on ACMG/AMP sequence variant interpretation guidelines (Richards et al. 2015 PMID: 25741868, with internal and published modifications).